The following is an entry in ClinVar:

NM_001267550.2(TTN):c.47394_47411del (p.Asp15799_Arg15804del)

Genes: TTN-AS1 (TTN antisense RNA 1; plus strand), TTN (titin; minus strand). Cytogenetic location: 2q31.2.
Variant type: Deletion.
Coding change: c.47394_47411del on transcript NM_001267550.2 (MANE Select); coding-DNA positions 47394 to 47411, 18 bases deleted (AGACAAGACTTCTATCAG).
Protein change: p.Asp15799_Arg15804del.
Molecular consequence: inframe deletion.
Genome position (GRCh38, 1-based): chr2:178,617,940-178,617,957, CTGATAGAAGTCTTGTCT deleted on the plus strand (AGACAAGACTTCTATCAG on the coding strand, the reverse complement: TTN is on the minus strand); deleting any 18 consecutive bases within chr2:178,617,940-178,617,959 gives the same sequence; the c. name uses the placement nearest the transcript's 3' end. VCF-style (leftmost placement, unchanged base first): chr2-178617939-CCTGATAGAAGTCTTGTCT-C. GRCh37 (hg19) VCF-style: chr2-179482666-CCTGATAGAAGTCTTGTCT-C.
Other names: c.39690_39707delAGACAAGACTTCTATCAG (NM_133378.4); c.47394_47411del18 (NM_001267550.2); c.42471_42488del, p.Asp14158_Arg14163del (NM_001256850.1); c.20199_20216del, p.Asp6734_Arg6739del (NM_003319.4); c.39690_39707del, p.Asp13231_Arg13236del (NM_133378.4); c.20574_20591del, p.Asp6859_Arg6864del (NM_133432.3); c.20775_20792del, p.Asp6926_Arg6931del (NM_133437.4); c.47394_47411delAGACAAGACTTCTATCAG (NM_001267550.2); and 1 more.
Identifiers: ClinVar variation 96293 (VCV000096293.14), dbSNP rs398124453, ClinGen allele CA223941.

ClinVar aggregate classification (germline): Uncertain significance. Review status: criteria provided, multiple submitters, no conflicts (2 of 4 stars). 5 submissions from 5 submitters: Uncertain significance (5). Last evaluated 2025-09-17.

Conditions:
Cardiovascular phenotype. Identifiers: MedGen CN230736.
TTN-related disorder. Also called: TTN-related disorders; TTN-related condition; TTN-related disease.
Dilated cardiomyopathy 1G (CMD1G). Identifiers: Orphanet 154, MedGen C1858763, MONDO:0011400, OMIM 604145.
Autosomal recessive limb-girdle muscular dystrophy type 2J (LGMDR10). Also called: Limb-girdle muscular dystrophy, type 2J; MUSCULAR DYSTROPHY, LIMB-GIRDLE, AUTOSOMAL RECESSIVE 10. Identifiers: Orphanet 140922, MedGen C1837342, MONDO:0012127, OMIM 608807.

Submissions (5):

PreventionGenetics, part of Exact Sciences
Classification: Uncertain significance for TTN-related condition. Last evaluated: 2025-09-17. Review status: criteria provided, single submitter. Criteria: ACMG Guidelines, 2015. Collection method: clinical testing. Allele origin: germline.
Comment: The TTN c.47394_47411del18 variant is predicted to result in an in-frame deletion (p.Asp15799_Arg15804del). To our knowledge, this variant has not been reported in the literature. This variant is reported in 0.0065% of alleles in individuals of African descent in gnomAD. At this time, the clinical significance of this variant is uncertain due to the absence of conclusive functional and genetic evidence.

Ambry Genetics
Classification: Uncertain significance for Cardiovascular phenotype. Last evaluated: 2024-06-13. Review status: criteria provided, single submitter. Criteria: Ambry Variant Classification Scheme 2023. Collection method: clinical testing. Allele origin: germline.
Comment: The c.20199_20216del18 variant (also known as p.D6734_R6739del) is located in coding exon 80 of the TTN gene. This variant results from an in-frame AGACAAGACTTCTATCAG deletion at nucleotide positions 20199 to 20216. This results in the in-frame deletion of a at codon 6734. Based on data from gnomAD, this variant has an overall frequency of 0.0008055% (2/248306) total alleles studied. The highest observed frequency was 0.006464% (1/15470) of African/African American alleles. This amino acid positions are well conserved in available vertebrate species. In addition, this alteration is predicted to be deleterious by in silico analysis (Choi Y et al. PLoS ONE. 2012; 7(10):e46688). Based on the available evidence, the clinical significance of this variant remains unclear.

Labcorp Genetics (formerly Invitae), Labcorp
Classification: Uncertain significance for Dilated cardiomyopathy 1G; Autosomal recessive limb-girdle muscular dystrophy type 2J. Last evaluated: 2021-09-17. Review status: criteria provided, single submitter. Criteria: Invitae Variant Classification Sherloc (09022015). Collection method: clinical testing. Allele origin: germline.
Comment: Experimental studies and prediction algorithms are not available or were not evaluated, and the functional significance of this variant is currently unknown. This variant, c.47394_47411del, results in the deletion of 6 amino acid(s) of the TTN protein (p.Asp15799_Arg15804del), but otherwise preserves the integrity of the reading frame. This variant is not present in population databases (ExAC no frequency). This variant has not been reported in the literature in individuals affected with TTN-related conditions. Algorithms developed to predict the effect of sequence changes on RNA splicing suggest that this variant may create or strengthen a splice site. In summary, the available evidence is currently insufficient to determine the role of this variant in disease. Therefore, it has been classified as a Variant of Uncertain Significance. This variant is located in the A band of TTN (PMID: 25589632). Variants in this region may be relevant for cardiac or neuromuscular disorders (PMID: 25589632, 23975875).

Revvity Omics, Revvity
Classification: Uncertain significance. Last evaluated: 2019-06-10. Review status: criteria provided, single submitter. Criteria: ACMG Guidelines, 2015. Collection method: clinical testing. Allele origin: germline.

Eurofins Ntd Llc (ga)
Classification: Uncertain significance. Last evaluated: 2013-07-23. Review status: criteria provided, single submitter. Criteria: EGL Classification Definitions 2015. Collection method: clinical testing. Allele origin: germline. Observed: 1 variant allele, 1 heterozygote.

Literature cited by the submitters: PubMed 25589632 (cited by Labcorp Genetics (formerly Invitae), Labcorp); PubMed 23975875 (cited by Labcorp Genetics (formerly Invitae), Labcorp).